The following is an entry in ClinVar:

NM_005732.4(RAD50):c.1022A>G (p.Gln341Arg)

Gene: RAD50 (RAD50 double strand break repair protein; plus strand). Cytogenetic location: 5q31.1.
Variant type: single nucleotide variant.
Coding change: c.1022A>G on transcript NM_005732.4 (MANE Select); coding-DNA position 1022, A replaced by G.
Protein change: p.Gln341Arg; replaces glutamine 341 with arginine.
Molecular consequence: missense variant.
Genome position (GRCh38, 1-based): chr5:132,588,060, A>G. VCF-style: chr5-132588060-A-G. GRCh37 (hg19) VCF-style: chr5-131923752-A-G.
Other names: c.1022A>G (NM_005732.3); short protein forms Q341R.
Identifiers: ClinVar variation 2107656 (VCV002107656.5), dbSNP rs2149840700, ClinGen allele CA360941506.

ClinVar aggregate classification (germline): Uncertain significance. Review status: criteria provided, multiple submitters, no conflicts (2 of 4 stars). 2 submissions from 2 submitters: Uncertain significance (2). Last evaluated 2024-03-02.

Conditions:
Hereditary cancer-predisposing syndrome. Also called: Neoplastic Syndromes, Hereditary; Hereditary Cancer Syndrome; Hereditary neoplastic syndrome; Tumor predisposition. Identifiers: Orphanet 140162, MedGen C0027672, MeSH D009386, MONDO:0015356.

Submissions (2):

Ambry Genetics
Classification: Uncertain significance for Hereditary cancer-predisposing syndrome. Last evaluated: 2024-03-02. Review status: criteria provided, single submitter. Criteria: Ambry Variant Classification Scheme 2023. Collection method: clinical testing. Allele origin: germline.
Comment: The p.Q341R variant (also known as c.1022A>G), located in coding exon 7 of the RAD50 gene, results from an A to G substitution at nucleotide position 1022. The glutamine at codon 341 is replaced by arginine, an amino acid with highly similar properties. This amino acid position is conserved. In addition, this alteration is predicted to be tolerated by in silico analysis. Based on the available evidence, the clinical significance of this alteration remains unclear.

Labcorp Genetics (formerly Invitae), Labcorp
Classification: Uncertain significance for Hereditary cancer-predisposing syndrome. Last evaluated: 2022-03-08. Review status: criteria provided, single submitter. Criteria: Invitae Variant Classification Sherloc (09022015). Collection method: clinical testing. Allele origin: germline.
Comment: In summary, the available evidence is currently insufficient to determine the role of this variant in disease. Therefore, it has been classified as a Variant of Uncertain Significance. Algorithms developed to predict the effect of missense changes on protein structure and function (SIFT, PolyPhen-2, Align-GVGD) all suggest that this variant is likely to be tolerated. This variant has not been reported in the literature in individuals affected with RAD50-related conditions. This variant is not present in population databases (gnomAD no frequency). This sequence change replaces glutamine, which is neutral and polar, with arginine, which is basic and polar, at codon 341 of the RAD50 protein (p.Gln341Arg).